The following is an entry in ClinVar:

NM_000138.5(FBN1):c.1148-2A>G

Gene: FBN1 (fibrillin 1; minus strand). Cytogenetic location: 15q21.1.
Variant type: single nucleotide variant.
Coding change: c.1148-2A>G on transcript NM_000138.5 (MANE Select); the canonical splice acceptor site of the intron before coding-DNA position 1148, A replaced by G.
Molecular consequence: splice acceptor variant.
Genome position (GRCh38, 1-based): chr15:48,516,364, T>C on the plus strand (A>G on the coding strand, the complement: FBN1 is on the minus strand). VCF-style: chr15-48516364-T-C. GRCh37 (hg19) VCF-style: chr15-48808561-T-C.
Other names: c.1148-2A>G (NM_001406716.1).
Identifiers: ClinVar variation 42283 (VCV000042283.13), dbSNP rs397515756, ClinGen allele CA011982.
Genomic context (GRCh38, chr15:48,516,364, plus strand): 5'-AGGATATTCTGGTCTCCCAGGAATTACCATAGGAACAGAGCACAGCTTGTTGAAATCCTC[T>C]AGAAAAACACAACAAAACAAAACACAACAGCTGAGCTGTAGCTTATGATCATAGGCCCAC-3'

ClinVar aggregate classification (germline): Pathogenic/Likely pathogenic. Review status: criteria provided, multiple submitters, no conflicts (2 of 4 stars). 4 submissions from 4 submitters: Pathogenic (3); Likely pathogenic (1). Last evaluated 2025-11-21.

Conditions:
Marfan Syndrome/Loeys-Dietz Syndrome/Familial Thoracic Aortic Aneurysms and Dissections. Identifiers: MedGen CN229799.
Marfan syndrome (MFS). Also called: FBN1-Related Marfan Syndrome; Marfan syndrome, classic; MARFAN SYNDROME, TYPE I; Marfan syndrome type 1; Marfan's syndrome. Identifiers: Orphanet 284963, Orphanet 558, MedGen C0024796, MONDO:0007947, OMIM 154700.
Familial thoracic aortic aneurysm and aortic dissection (TAAD). Also called: Thoracic aortic aneurysms and dissections. Identifiers: Orphanet 91387, MedGen C4707243, MONDO:0019625.

Submissions (4):

Labcorp Genetics (formerly Invitae), Labcorp
Classification: Pathogenic for Marfan syndrome; Familial thoracic aortic aneurysm and aortic dissection. Last evaluated: 2025-11-21. Review status: criteria provided, single submitter. Criteria: Invitae Variant Classification Sherloc (09022015). Collection method: clinical testing. Allele origin: germline.
Comment: This sequence change affects an acceptor splice site in intron 10 of the FBN1 gene. It is expected to disrupt RNA splicing. Variants that disrupt the donor or acceptor splice site typically lead to a loss of protein function (PMID: 16199547), and loss-of-function variants in FBN1 are known to be pathogenic (PMID: 17657824, 19293843). This variant is not present in population databases (gnomAD no frequency). Disruption of this splice site has been observed in individuals with FBN1-related conditions (PMID: 17657824, 31211624). ClinVar contains an entry for this variant (Variation ID: 42283). Algorithms developed to predict the effect of sequence changes on RNA splicing suggest that this variant may disrupt the consensus splice site. For these reasons, this variant has been classified as Pathogenic.

Laboratory for Molecular Medicine, Mass General Brigham Personalized Medicine
Classification: Pathogenic for Marfan syndrome. Last evaluated: 2020-08-07. Review status: criteria provided, single submitter. Criteria: LMM Criteria. Collection method: clinical testing. Allele origin: germline. Observed: 2 variant alleles.
Comment: The c.1148-2A>G variant in FBN1 has been identified in an individual with Marfan syndrome (Comeglio 2007 PubMed: 17657824) and was absent in large population studies. This variant is reported in ClinVar (allele ID: 539856). One additional variants involving this position (c.1148-2A>T) has been reported as a de novo variant in an individual with clinical features of Marfan syndrome (Cao 2018 PubMed: 30101859). This variant occurs within the canonical splice site (+/- 1,2) and is predicted to cause altered splicing leading to an abnormal or absent protein. Loss of function of the FBN1 gene is an established disease mechanism in Marfan syndrome. In summary, this variant meets criteria to be classified as pathogenic for autosomal dominant Marfan syndrome. ACMG/AMP Criteria applied: PVS1; PM2; PM5; PS4_Supporting.

Women's Health and Genetics/Laboratory Corporation of America, LabCorp
Classification: Likely pathogenic for Marfan Syndrome/Loeys-Dietz Syndrome/Familial Thoracic Aortic Aneurysms and Dissections. Last evaluated: 2018-03-26. Review status: criteria provided, single submitter. Criteria: LabCorp Variant Classification Summary - May 2015. Collection method: clinical testing. Allele origin: germline.
Comment: Variant summary: FBN1 c.1148-2A>G is located in a canonical splice-site and is predicted to affect mRNA splicing resulting in a significantly altered protein due to either exon skipping, shortening, or inclusion of intronic material. Several computational tools predict a significant impact on normal splicing: Five predict the variant abolishes a 3' acceptor site. However, these predictions have yet to be confirmed by functional studies. The variant was absent in 243460 control chromosomes. c.1148-2A>G has been reported in the literature in individuals affected with Marfan Syndrome. These data indicate that the variant may be associated with disease. To our knowledge, no experimental evidence demonstrating an impact on protein function has been reported. One clinical diagnostic laboratory has submitted clinical-significance assessments for this variant to ClinVar after 2014 without evidence for independent evaluation and classified the variant as pathogenic. Based on the evidence outlined above, the variant was classified as likely pathogenic.

GeneDx
Classification: Pathogenic. Last evaluated: 2015-09-09. Review status: criteria provided, single submitter. Criteria: GeneDx Variant Classification (06012015). Collection method: clinical testing. Allele origin: germline. Affected: yes.
Comment: The c.1148-2 A>G variant was reported previously in association with Marfan syndrome by Comeglio et al., (2007) and was absent from 160 control chromosomes. The c.1148-2 A>G substitution destroys the canonical splice acceptor site in intron 10 and is predicted to cause abnormal gene splicing. The variant is predicted to lead to either an abnormal message that is subject to nonsense-mediated mRNA decay, or to an abnormal protein product if the message is used for protein translation. Many other splice site variantsin the FBN1 gene have been reported in HGMD in association with Marfan syndrome (Stenson P et al., 2014). Furthermore, the c.1148-2 A>G variant was not observed in approximately 6,500 individuals of European and African American ancestry in the NHLBI Exome Sequencing Project, indicating it is not a common benign variant in these populations. Therefore, we interpret c.1148-2 A>G as a pathogenic variant.

Literature cited by the submitters: PubMed 16199547 (cited by Labcorp Genetics (formerly Invitae), Labcorp); PubMed 17657824 (cited by 3 submitters); PubMed 19293843 (cited by Labcorp Genetics (formerly Invitae), Labcorp); PubMed 31211624 (cited by Labcorp Genetics (formerly Invitae), Labcorp).